The following is an entry in ClinVar:

NM_201384.3(PLEC):c.571C>T (p.Arg191Cys)

Gene: PLEC (plectin; minus strand). Cytogenetic location: 8q24.3.
Variant type: single nucleotide variant.
Coding change: c.571C>T on transcript NM_201384.3 (MANE Select); coding-DNA position 571, C replaced by T.
Protein change: p.Arg191Cys; replaces arginine 191 with cysteine.
Molecular consequence: missense variant.
Genome position (GRCh38, 1-based): chr8:143,935,879, G>A on the plus strand (C>T on the coding strand, the complement: PLEC is on the minus strand). VCF-style: chr8-143935879-G-A. GRCh37 (hg19) VCF-style: chr8-145010047-G-A.
Other names: c.652C>T (NM_000445.3); c.652C>T, p.Arg218Cys (NM_000445.5, NM_001410941.1); c.529C>T, p.Arg177Cys (NM_201378.4); c.505C>T, p.Arg169Cys (NM_201379.3); c.982C>T, p.Arg328Cys (NM_201380.4); c.475C>T, p.Arg159Cys (NM_201381.3); c.571C>T, p.Arg191Cys (NM_201382.4); c.583C>T, p.Arg195Cys (NM_201383.3); short protein forms R191C, R195C, R218C, R159C, R169C, R328C, R177C.
Identifiers: ClinVar variation 3892112 (VCV003892112.3).

ClinVar aggregate classification (germline): Uncertain significance. Review status: criteria provided, multiple submitters, no conflicts (2 of 4 stars). 3 submissions from 3 submitters: Uncertain significance (3). Last evaluated 2026-01-06.

Conditions:
Epidermolysis bullosa simplex 5B, with muscular dystrophy (EBS5B). Also called: Epidermolysis bullosa simplex with muscular dystrophy; EPIDERMOLYSIS BULLOSA SIMPLEX AND LIMB-GIRDLE MUSCULAR DYSTROPHY. Identifiers: Orphanet 257, MedGen C2931072, MONDO:0009181, OMIM 226670.
Epidermolysis bullosa simplex, Ogna type (EBS5A). Also called: Pidermolysis bullosa simplex 5A, Ogna type; EPIDERMOLYSIS BULLOSA SIMPLEX 5A, OGNA TYPE. Identifiers: Orphanet 79401, MedGen C0432317, MONDO:0007555, OMIM 131950.
Autosomal recessive limb-girdle muscular dystrophy type 2Q (LGMDR17). Also called: MUSCULAR DYSTROPHY, LIMB-GIRDLE, AUTOSOMAL RECESSIVE 17. Identifiers: Orphanet 254361, MedGen C3150989, MONDO:0013390, OMIM 613723.
Epidermolysis bullosa simplex with nail dystrophy (EBS5D). Identifiers: MedGen C4225309, MONDO:0014661, OMIM 616487.
Epidermolysis bullosa simplex 5C, with pyloric atresia (EBS5C). Also called: Epidermolysis bullosa simplex with pyloric atresia; PLEC-Related Epidermolysis Bullosa with Pyloric Atresia; PLEC1-Related Epidermolysis Bullosa with Pyloric Atresia. Identifiers: Orphanet 158684, MedGen C2677349, MONDO:0012807, OMIM 612138.
Inborn genetic diseases. Identifiers: MedGen C0950123, MeSH D030342.
Junctional epidermolysis bullosa with pyloric atresia. Also called: EPIDERMOLYSIS BULLOSA, JUNCTIONAL 5B, WITH PYLORIC ATRESIA; Epidermolysis bullosa, junctional, with pyloric atresia and aplasia cutis congenita; Epidermolysis bullosa junctionalis with pyloric atresia; APLASIA CUTIS CONGENITA WITH GASTROINTESTINAL ATRESIA; CARMI SYNDROME; EB-PA-ACC. Identifiers: Orphanet 79403, MedGen C5676875, MONDO:0009183, OMIM 226730.

gnomAD v4.1: 39 of 1,612,798 alleles (0.0024%); highest among the groups gnomAD compares: Non-Finnish European, 0.0031%; no homozygotes.

Submissions (3):

Labcorp Genetics (formerly Invitae), Labcorp
Classification: Uncertain significance for Autosomal recessive limb-girdle muscular dystrophy type 2Q; Epidermolysis bullosa simplex, Ogna type; Epidermolysis bullosa simplex with nail dystrophy; Epidermolysis bullosa simplex 5C, with pyloric atresia; Epidermolysis bullosa simplex 5B, with muscular dystrophy. Last evaluated: 2026-01-06. Review status: criteria provided, single submitter. Criteria: Invitae Variant Classification Sherloc (09022015). Collection method: clinical testing. Allele origin: germline.
Comment: This sequence change replaces arginine, which is basic and polar, with cysteine, which is neutral and slightly polar, at codon 218 of the PLEC protein (p.Arg218Cys). This variant is present in population databases (rs782299716, gnomAD 0.002%). This variant has not been reported in the literature in individuals affected with PLEC-related conditions. ClinVar contains an entry for this variant (Variation ID: 3892112). Experimental studies and prediction algorithms are not available or were not evaluated, and the functional significance of this variant is currently unknown. In summary, the available evidence is currently insufficient to determine the role of this variant in disease. Therefore, it has been classified as a Variant of Uncertain Significance.

Ambry Genetics
Classification: Uncertain significance for Inborn genetic diseases. Last evaluated: 2025-03-28. Review status: criteria provided, single submitter. Criteria: Ambry Variant Classification Scheme 2023. Collection method: clinical testing. Allele origin: germline.

Department of Pathology and Laboratory Medicine, Sinai Health System
Classification: Uncertain significance for Epidermolysis bullosa simplex, Ogna type; Epidermolysis bullosa simplex 5B, with muscular dystrophy; Junctional epidermolysis bullosa with pyloric atresia; Epidermolysis bullosa simplex 5C, with pyloric atresia; Autosomal recessive limb-girdle muscular dystrophy type 2Q; Epidermolysis bullosa simplex with nail dystrophy. Last evaluated: 2022-01-17. Review status: criteria provided, single submitter. Criteria: ACMG Guidelines, 2015. Collection method: research. Allele origin: germline.